The following is an entry in ClinVar:

NM_000152.5(GAA):c.1195-2A>G

Gene: GAA (alpha glucosidase; plus strand). Cytogenetic location: 17q25.3.
Variant type: single nucleotide variant.
Coding change: c.1195-2A>G on transcript NM_000152.5 (MANE Select); the canonical splice acceptor site of the intron before coding-DNA position 1195, A replaced by G.
Molecular consequence: splice acceptor variant.
Genome position (GRCh38, 1-based): chr17:80,108,695, A>G. VCF-style: chr17-80108695-A-G. GRCh37 (hg19) VCF-style: chr17-78082494-A-G.
Other names: c.1195-2A>G (NM_001406741.1, NM_001406742.1, NM_001079803.3 and 1 more transcripts).
Identifiers: ClinVar variation 972772 (VCV000972772.5), dbSNP rs765360653, ClinGen allele CA8815228.

ClinVar aggregate classification (germline): Pathogenic/Likely pathogenic. Review status: criteria provided, multiple submitters, no conflicts (2 of 4 stars). 4 submissions from 4 submitters: Pathogenic (1); Likely pathogenic (3). Last evaluated 2026-09-02.

Conditions:
Glycogen storage disease, type II (IOPD). Also called: GLYCOGENOSIS, GENERALIZED, CARDIAC FORM; GSD II; POMPE DISEASE, INFANTILE-ONSET; GLYCOGEN STORAGE DISEASE II, INFANTILE-ONSET; ACID ALPHA-GLUCOSIDASE DEFICIENCY, INFANTILE-ONSET; Pompe Disease. Identifiers: Orphanet 365, MedGen C0017921, MONDO:0009290, OMIM 232300.

Allele frequency attached by ClinVar (database versions not stated): gnomAD exomes below 0.00001.

Submissions (4):

Myriad Genetics, Inc.
Classification: Likely pathogenic for Glycogen storage disease, type II. Last evaluated: 2026-09-02. Review status: criteria provided, single submitter. Criteria: Myriad Autosomal Dominant, Autosomal Recessive and X-Linked Classification Criteria (2023). Collection method: clinical testing. Allele origin: unknown.
Comment: NM_000152.3(GAA):c.1195-2A>G is a variant in a canonical splice site classified as likely pathogenic in the context of Pompe disease. c.1195-2A>G has been observed in cases with relevant disease (PMID: 22252923, 19588081). Relevant functional assessments of this variant are not available in the literature. c.1195-2A>G has been observed in referenced population frequency databases. In summary, NM_000152.3(GAA):c.1195-2A>G is a variant in a canonical splice site that has been observed more frequently in cases with the relevant disease than in healthy populations. Please note: this variant was assessed in the context of healthy population screening.

Genomenon, Inc
Classification: Pathogenic for Glycogen storage disease, type II. Last evaluated: 2026-07-01. Review status: criteria provided, single submitter. Criteria: Genomenon Sequence Variant Interpretation Standards - Updated. Collection method: curation. Allele origin: germline. Affected: yes.
Comment: GAA c.1195-2A>G is a canonical splice variant affecting the acceptor splice site of intron 7. It is predicted to affect mRNA splicing, leading to a deleterious effect on the GAA protein. This variant has been observed in at least one proband with a GAA-related disorder (PMID:29181627;19588081). It is absent or not present at a significant frequency in gnomAD. In conclusion, we classify GAA c.1195-2A>G as a pathogenic variant.

Neuberg Centre For Genomic Medicine, NCGM
Classification: Likely pathogenic for Glycogen storage disease, type II. Last evaluated: 2024-02-01. Review status: criteria provided, single submitter. Criteria: ACMG Guidelines, 2015. Collection method: clinical testing. Allele origin: germline. Inheritance: Autosomal recessive inheritance.
Comment: The above variant has been previously reported in individuals affected with Pompe disease (Reuser AJJ, et al., 2019; Löscher WN, et al., 2018). This variant change affects the acceptor splice site in intron 7 of the GAA gene. Loss of function variants in this gene have been previously reported to be disease causing.

Broad Center for Mendelian Genomics, Broad Institute of MIT and Harvard
Classification: Likely pathogenic for Glycogen storage disease, type II. Last evaluated: 2020-01-22. Review status: criteria provided, single submitter. Criteria: ACMG Guidelines, 2015. Collection method: curation. Allele origin: germline. Inheritance: Autosomal recessive inheritance.
Comment: The c.1195-2A>G variant in GAA has been reported in at least 3 individuals with glycogen storage disease II (PMID: 22252923, 21179066, 29181627, 19588081) and has been identified in 0.006% (1/15640) of African chromosomes by the Genome Aggregation Database (gnomAD; dbSNP rs765360653). Although this variant has been seen in the general population, its frequency is low enough to be consistent with a recessive carrier frequency. This variant occurs in the invariant region (+/- 1/2) of the splice consensus sequence and is predicted to cause altered splicing leading to an abnormal or absent protein. Loss of function of the GAA gene is an established disease mechanism in autosomal recessive glycogen storage disorder II. There are reports of homozygous occurrence of this variant in individuals with glycogen storage disease (PMID: 29181627, 22252923). In summary, although additional studies are required to fully establish its clinical significance, this variant is likely pathogenic. ACMG/AMP Criteria applied: PVS1, PM2 (Richards 2015).

Literature cited by the submitters: PubMed 19588081 (cited by Myriad Genetics, Inc. and Genomenon, Inc); PubMed 22252923 (cited by Myriad Genetics, Inc.); PubMed 29181627 (cited by Genomenon, Inc).